The following is an entry in ClinVar:

NM_207352.4(CYP4V2):c.68C>A (p.Ser23Tyr)

Genes: CYP4V2 (cytochrome P450 family 4 subfamily V member 2; plus strand), LOC129993526 (ATAC-STARR-seq lymphoblastoid silent region 15858; plus strand). Cytogenetic location: 4q35.1.
Variant type: single nucleotide variant.
Coding change: c.68C>A on transcript NM_207352.4 (MANE Select); coding-DNA position 68, C replaced by A.
Protein change: p.Ser23Tyr; replaces serine 23 with tyrosine.
Molecular consequence: missense variant.
Genome position (GRCh38, 1-based): chr4:186,191,891, C>A. VCF-style: chr4-186191891-C-A. GRCh37 (hg19) VCF-style: chr4-187113045-C-A.
Other names: short protein forms S23Y.
Identifiers: ClinVar variation 953153 (VCV000953153.9), dbSNP rs1312890284, ClinGen allele CA358946488.

ClinVar aggregate classification (germline): Uncertain significance. Review status: criteria provided, multiple submitters, no conflicts (2 of 4 stars). 2 submissions from 2 submitters: Uncertain significance (2). Last evaluated 2025-12-09.

Conditions:
Inborn genetic diseases. Identifiers: MedGen C0950123, MeSH D030342.

Allele frequency attached by ClinVar (database versions not stated): gnomAD 0.00003 and 0.00002; TOPMed 0.00001.
gnomAD v4.1: 7 of 1,590,834 alleles (0.00044%); highest among the groups gnomAD compares: Admixed American, 0.0052%; no homozygotes.

Submissions (2):

Ambry Genetics
Classification: Uncertain significance for Inborn genetic diseases. Last evaluated: 2025-12-09. Review status: criteria provided, single submitter. Criteria: Ambry Variant Classification Scheme 2023. Collection method: clinical testing. Allele origin: germline.

Labcorp Genetics (formerly Invitae), Labcorp
Classification: Uncertain significance. Last evaluated: 2019-10-09. Review status: criteria provided, single submitter. Criteria: Invitae Variant Classification Sherloc (09022015). Collection method: clinical testing. Allele origin: germline.
Comment: This variant has not been reported in the literature in individuals with CYP4V2-related conditions. In summary, the available evidence is currently insufficient to determine the role of this variant in disease. Therefore, it has been classified as a Variant of Uncertain Significance. Algorithms developed to predict the effect of missense changes on protein structure and function (SIFT, PolyPhen-2, Align-GVGD) all suggest that this variant is likely to be tolerated, but these predictions have not been confirmed by published functional studies and their clinical significance is uncertain. This variant is not present in population databases (ExAC no frequency). This sequence change replaces serine with tyrosine at codon 23 of the CYP4V2 protein (p.Ser23Tyr). The serine residue is weakly conserved and there is a large physicochemical difference between serine and tyrosine.